The following is an entry in ClinVar:

ClinVar aggregate classification (germline): Conflicting classifications of pathogenicity. Review status: criteria provided, conflicting classifications (1 of 4 stars). 4 submissions from 4 submitters: Uncertain significance (3); Likely benign (1). Last evaluated 2026-08-13.

Conditions:
Hereditary cancer-predisposing syndrome. Also called: Neoplastic Syndromes, Hereditary; Hereditary Cancer Syndrome; Tumor predisposition; Hereditary neoplastic syndrome. Identifiers: Orphanet 140162, MedGen C0027672, MeSH D009386, MONDO:0015356.
Hereditary nonpolyposis colorectal neoplasms. Identifiers: MedGen C0009405, MeSH D003123.

Submissions (4):

Ambry Genetics
Classification: Likely benign for Hereditary cancer-predisposing syndrome. Last evaluated: 2026-08-13. Review status: criteria provided, single submitter. Criteria: Ambry Variant Classification Scheme 2023. Collection method: clinical testing. Allele origin: germline.

GeneDx
Classification: Uncertain significance. Last evaluated: 2024-07-19. Review status: criteria provided, single submitter. Criteria: GeneDx Variant Classification Process June 2021. Collection method: clinical testing. Allele origin: germline. Affected: yes.
Comment: Not observed at significant frequency in large population cohorts (gnomAD); In silico analysis indicates that this missense variant does not alter protein structure/function; Has not been previously published as pathogenic or benign to our knowledge

Institute for Clinical Genetics, University Hospital TU Dresden, University Hospital TU Dresden
Classification: Uncertain significance. Last evaluated: 2021-11-03. Review status: criteria provided, single submitter. Criteria: ACMG Guidelines, 2015. Collection method: clinical testing. Allele origin: germline.

Labcorp Genetics (formerly Invitae), Labcorp
Classification: Uncertain significance for Hereditary nonpolyposis colorectal neoplasms. Last evaluated: 2021-08-28. Review status: criteria provided, single submitter. Criteria: Invitae Variant Classification Sherloc (09022015). Collection method: clinical testing. Allele origin: germline.
Comment: This sequence change replaces methionine with threonine at codon 453 of the PMS2 protein (p.Met453Thr). The methionine residue is weakly conserved and there is a moderate physicochemical difference between methionine and threonine. This variant is not present in population databases (ExAC no frequency). This variant has not been reported in the literature in individuals affected with PMS2-related conditions. ClinVar contains an entry for this variant (Variation ID: 411050). Algorithms developed to predict the effect of missense changes on protein structure and function output the following: SIFT: "Tolerated"; PolyPhen-2: "Benign"; Align-GVGD: "Class C0". The threonine amino acid residue is found in multiple mammalian species, which suggests that this missense change does not adversely affect protein function. In summary, the available evidence is currently insufficient to determine the role of this variant in disease. Therefore, it has been classified as a Variant of Uncertain Significance.

NM_000535.7(PMS2):c.1358T>C (p.Met453Thr)

Gene: PMS2 (PMS1 homolog 2, mismatch repair system component; minus strand). Cytogenetic location: 7p22.1.
Variant type: single nucleotide variant.
Coding change: c.1358T>C on transcript NM_000535.7 (MANE Select); coding-DNA position 1358, T replaced by C.
Protein change: p.Met453Thr; replaces methionine 453 with threonine.
Molecular consequence: missense variant. On other transcripts: non-coding transcript variant (1).
Genome position (GRCh38, 1-based): chr7:5,987,407, A>G on the plus strand (T>C on the coding strand, the complement: PMS2 is on the minus strand). VCF-style: chr7-5987407-A-G. GRCh37 (hg19) VCF-style: chr7-6027038-A-G.
Other names: c.953T>C, p.Met318Thr (NM_001322003.2, NM_001322004.2, NM_001322005.2 and 1 more transcripts); c.1202T>C, p.Met401Thr (NM_001322006.2); c.1040T>C, p.Met347Thr (NM_001322007.2, NM_001322008.2); c.797T>C, p.Met266Thr (NM_001322010.2); c.425T>C, p.Met142Thr (NM_001322011.2, NM_001322012.2); c.785T>C, p.Met262Thr (NM_001322013.2); c.1358T>C, p.Met453Thr (NM_001322014.2); c.1049T>C, p.Met350Thr (NM_001322015.2); short protein forms M453T, M347T, M142T, M318T, M350T, M401T, M262T, M266T.
Identifiers: ClinVar variation 411050 (VCV000411050.15), dbSNP rs1060503130, ClinGen allele CA16612127.